The following is an entry in ClinVar:

ClinVar aggregate classification (germline): Pathogenic/Likely pathogenic. Review status: criteria provided, multiple submitters, no conflicts (2 of 4 stars). 2 submissions from 2 submitters: Pathogenic (1); Likely pathogenic (1). Last evaluated 2026-01-11.

Conditions:
Hypertrophic cardiomyopathy 4. Also called: Familial hypertrophic cardiomyopathy 4. Identifiers: MedGen C1861862, MONDO:0007268, OMIM 115197.
Hypertrophic cardiomyopathy. Also called: HYPERTROPHIC MYOCARDIOPATHY. Identifiers: Orphanet 217569, MedGen C0007194, MeSH D002312, MONDO:0005045, HP:0001639.

Submissions (2):

Labcorp Genetics (formerly Invitae), Labcorp
Classification: Pathogenic for Hypertrophic cardiomyopathy. Last evaluated: 2026-01-11. Review status: criteria provided, single submitter. Criteria: Invitae Variant Classification Sherloc (09022015). Collection method: clinical testing. Allele origin: germline.
Comment: This sequence change creates a premature translational stop signal (p.Val1158Serfs*31) in the MYBPC3 gene. It is expected to result in an absent or disrupted protein product. Loss-of-function variants in MYBPC3 are known to be pathogenic (PMID: 19574547). This variant is not present in population databases (gnomAD no frequency). This variant has not been reported in the literature in individuals affected with MYBPC3-related conditions. ClinVar contains an entry for this variant (Variation ID: 1803137). For these reasons, this variant has been classified as Pathogenic.

Genetics and Molecular Pathology, SA Pathology
Classification: Likely pathogenic for Hypertrophic cardiomyopathy 4. Last evaluated: 2021-03-09. Review status: criteria provided, single submitter. Criteria: ACMG Guidelines, 2015. Collection method: clinical testing. Allele origin: germline. Affected: yes.

Literature cited by the submitters: PubMed 19574547 (cited by Labcorp Genetics (formerly Invitae), Labcorp).

NM_000256.3(MYBPC3):c.3471del (p.Val1158fs)

Gene: MYBPC3 (myosin binding protein C3; minus strand). Cytogenetic location: 11p11.2.
Variant type: Deletion.
Coding change: c.3471del on transcript NM_000256.3 (MANE Select); coding-DNA position 3471, one base deleted (C; older notation c.3471delC).
Protein change: p.Val1158fs; shifts the reading frame from valine 1158.
Molecular consequence: frameshift variant.
Genome position (GRCh38, 1-based): chr11:47,332,833, G deleted on the plus strand (C on the coding strand, the reverse complement: MYBPC3 is on the minus strand); the first of 3 consecutive G bases (chr11:47,332,833-47,332,835); deleting any one gives the same sequence. VCF-style (leftmost placement, unchanged base first): chr11-47332832-CG-C. GRCh37 (hg19) VCF-style: chr11-47354383-CG-C.
Other names: c.3471delC (NM_000256.3); short protein forms V1158fs.
Identifiers: ClinVar variation 1803137 (VCV001803137.3), dbSNP rs2495738531, ClinGen allele CA1139768904.